The following is an entry in ClinVar:

ClinVar aggregate classification (germline): Pathogenic (1 of 4 stars; one submission).

Conditions:
Melnick-Fraser syndrome (BOR). Also called: Branchio-oto-renal syndrome; Branchiootorenal Syndrome (BORS); Branchiootorenal syndrome. Identifiers: Orphanet 107, MedGen C0265234, MONDO:0007029.

Submission:

Labcorp Genetics (formerly Invitae), Labcorp
Classification: Pathogenic for Melnick-Fraser syndrome. Last evaluated: 2023-04-18. Review status: criteria provided, single submitter. Criteria: Invitae Variant Classification Sherloc (09022015). Collection method: clinical testing. Allele origin: germline.
Comment: For these reasons, this variant has been classified as Pathogenic. This variant disrupts a region of the EYA1 protein in which other variant(s) (p.Leu580Arg) have been determined to be pathogenic (Invitae). This suggests that this is a clinically significant region of the protein, and that variants that disrupt it are likely to be disease-causing. Algorithms developed to predict the effect of sequence changes on RNA splicing suggest that this variant may create or strengthen a splice site. This variant is also known as c.1961delC. This frameshift has been observed in individual(s) with branchiootorenal spectrum disorders (PMID: 18220287). This variant is not present in population databases (gnomAD no frequency). This sequence change results in a frameshift in the EYA1 gene (p.His567Glnfs*72). While this is not anticipated to result in nonsense mediated decay, it is expected to disrupt the last 26 amino acid(s) of the EYA1 protein and extend the protein by 45 additional amino acid residues.

Literature cited by the submitters: PubMed 18220287.

NM_000503.6(EYA1):c.1701del (p.His567fs)

Gene: EYA1 (EYA transcriptional coactivator and phosphatase 1; minus strand). Cytogenetic location: 8q13.3.
Variant type: Deletion.
Coding change: c.1701del on transcript NM_000503.6 (MANE Select); coding-DNA position 1701, one base deleted (C; older notation c.1701delC).
Protein change: p.His567fs; shifts the reading frame from histidine 567.
Molecular consequence: frameshift variant.
Genome position (GRCh38, 1-based): chr8:71,199,418, G deleted on the plus strand (C on the coding strand, the reverse complement: EYA1 is on the minus strand). VCF-style (leftmost placement, unchanged base first): chr8-71199417-CG-C. GRCh37 (hg19) VCF-style: chr8-72111652-CG-C.
Other names: c.1683del, p.His561fs (NM_001288574.2, NM_172059.5); c.1335del, p.His445fs (NM_001288575.2); c.1788del, p.His596fs (NM_001370333.1); c.1701del, p.His567fs (NM_001370334.1, NM_001370335.1, NM_172058.4); c.1680del, p.His560fs (NM_001370336.1); c.1602del, p.His534fs (NM_001411797.1, NM_172060.4); short protein forms H567fs, H445fs, H534fs, H561fs, H560fs, H596fs.
Identifiers: ClinVar variation 2812024 (VCV002812024.3), dbSNP rs2537018716, ClinGen allele CA2739268831.
Genomic context (GRCh38, chr8:71,199,417, plus strand): 5'-CCAAGGCATGGTGCAGGGCCATGAGGTCCGAGTGGCTGGAGATCCTCCAGAAGGGCATCG[CG>C]TGCTGCAGCAGAGGCACACATACATGTGAGGACAGAGCACCCAGCGCCAGCCCTGCCAGC-3'